The following is an entry in ClinVar:

NM_004168.4(SDHA):c.1518A>G (p.Ile506Met)

Gene: SDHA (succinate dehydrogenase complex flavoprotein subunit A; plus strand). Cytogenetic location: 5p15.33.
Variant type: single nucleotide variant.
Coding change: c.1518A>G on transcript NM_004168.4 (MANE Select); coding-DNA position 1518, A replaced by G.
Protein change: p.Ile506Met; replaces isoleucine 506 with methionine.
Molecular consequence: missense variant.
Genome position (GRCh38, 1-based): chr5:240,443, A>G. VCF-style: chr5-240443-A-G. GRCh37 (hg19) VCF-style: chr5-240558-A-G.
Other names: c.1374A>G, p.Ile458Met (NM_001294332.2); c.1518A>G, p.Ile506Met (NM_001330758.2); short protein forms I506M, I458M.
Identifiers: ClinVar variation 570934 (VCV000570934.17), dbSNP rs955444699, ClinGen allele CA112829719.
Genomic context (GRCh38, chr5:240,443, plus strand): 5'-AAACGCTGGGGAAGAATCTGTCATGAATCTTGACAAATTGAGATTTGCTGATGGAAGCAT[A>G]AGAACATCGGAACTGCGACTCAGCATGCAGAAGGTAAGAGCCTGGACTCGCTCTGGAGTG-3'
Protein context (NP_004159.2, residues 496-516): LDKLRFADGS[Ile506Met]RTSELRLSMQ

ClinVar aggregate classification (germline): Uncertain significance. Review status: criteria provided, multiple submitters, no conflicts (2 of 4 stars). 4 submissions from 4 submitters: Uncertain significance (4). Last evaluated 2025-07-27.

Conditions:
Mitochondrial complex II deficiency, nuclear type 1. Also called: SUCCINATE CoQ REDUCTASE DEFICIENCY. Identifiers: Orphanet 3208, MedGen C5700310, MONDO:0100294, OMIM 252011.
Pheochromocytoma/paraganglioma syndrome 5. Also called: Paragangliomas 5; SDHA-Related Hereditary Paraganglioma-Pheochromocytoma Syndrome. Identifiers: Orphanet 29072, MedGen C3279992, MONDO:0013602, OMIM 614165.
Dilated cardiomyopathy 1GG (CMD1GG). Identifiers: Orphanet 154, MedGen C3150898, MONDO:0013339, OMIM 613642.
Hereditary cancer-predisposing syndrome. Also called: Neoplastic Syndromes, Hereditary; Tumor predisposition; Hereditary neoplastic syndrome; Hereditary Cancer Syndrome. Identifiers: Orphanet 140162, MedGen C0027672, MeSH D009386, MONDO:0015356.

Allele frequency attached by ClinVar (database versions not stated): gnomAD exomes 0.00001; gnomAD 0.00002; TOPMed 0.00003.
gnomAD v4.1: 6 of 1,610,672 alleles (0.00037%); highest among the groups gnomAD compares: African/African-American, 0.0053%; no homozygotes.

Submissions (4):

Labcorp Genetics (formerly Invitae), Labcorp
Classification: Uncertain significance for Pheochromocytoma/paraganglioma syndrome 5; Mitochondrial complex II deficiency, nuclear type 1. Last evaluated: 2025-07-27. Review status: criteria provided, single submitter. Criteria: Invitae Variant Classification Sherloc (09022015). Collection method: clinical testing. Allele origin: germline.
Comment: This sequence change replaces isoleucine, which is neutral and non-polar, with methionine, which is neutral and non-polar, at codon 506 of the SDHA protein (p.Ile506Met). This variant is present in population databases (no rsID available, gnomAD 0.01%). This variant has not been reported in the literature in individuals affected with SDHA-related conditions. ClinVar contains an entry for this variant (Variation ID: 570934). Invitae Evidence Modeling of protein sequence and biophysical properties (such as structural, functional, and spatial information, amino acid conservation, physicochemical variation, residue mobility, and thermodynamic stability) indicates that this missense variant is not expected to disrupt SDHA protein function with a negative predictive value of 95%. In summary, the available evidence is currently insufficient to determine the role of this variant in disease. Therefore, it has been classified as a Variant of Uncertain Significance.

Ambry Genetics
Classification: Uncertain significance for Hereditary cancer-predisposing syndrome. Last evaluated: 2025-03-25. Review status: criteria provided, single submitter. Criteria: Ambry Variant Classification Scheme 2023. Collection method: clinical testing. Allele origin: germline.
Comment: The p.I506M variant (also known as c.1518A>G), located in coding exon 11 of the SDHA gene, results from an A to G substitution at nucleotide position 1518. The isoleucine at codon 506 is replaced by methionine, an amino acid with highly similar properties. This amino acid position is not well conserved in available vertebrate species. In addition, this alteration is predicted to be tolerated by in silico analysis. Since supporting evidence is limited at this time, the clinical significance of this alteration remains unclear.

Baylor Genetics
Classification: Uncertain significance for Dilated cardiomyopathy 1GG. Last evaluated: 2024-02-07. Review status: criteria provided, single submitter. Criteria: ACMG Guidelines, 2015. Collection method: clinical testing. Allele origin: unknown.

Quest Diagnostics Nichols Institute San Juan Capistrano
Classification: Uncertain significance. Last evaluated: 2022-11-04. Review status: criteria provided, single submitter. Criteria: Quest Diagnostics criteria. Collection method: clinical testing. Allele origin: unknown.
Comment: The variant has not been reported in the published literature. The frequency of this variant in the general population, 0.000032 (1/31404 chromosomes), is uninformative in assessment of its pathogenicity. Analysis of this variant using bioinformatics tools for the prediction of the effect of amino acid changes on protein structure and function yielded predictions that this variant is benign. Based on the available information, we are unable to determine the clinical significance of this variant.